The following is an entry in ClinVar:

NM_000195.5(HPS1):c.1209del (p.Met404fs)

Gene: HPS1 (HPS1 biogenesis of lysosomal organelles complex 3 subunit 1; minus strand). Cytogenetic location: 10q24.2.
Variant type: Deletion.
Coding change: c.1209del on transcript NM_000195.5 (MANE Select); coding-DNA position 1209, one base deleted (C; older notation c.1209delC).
Protein change: p.Met404fs; shifts the reading frame from methionine 404.
Molecular consequence: frameshift variant.
Genome position (GRCh38, 1-based): chr10:98,425,667, G deleted on the plus strand (C on the coding strand, the reverse complement: HPS1 is on the minus strand); the first of 2 consecutive G bases (chr10:98,425,667-98,425,668); deleting either gives the same sequence. VCF-style (leftmost placement, unchanged base first): chr10-98425666-TG-T. GRCh37 (hg19) VCF-style: chr10-100185423-TG-T.
Other names: c.237del, p.Met80fs (NM_001311345.2, NM_001322487.2, NM_001322489.2); c.1209del, p.Met404fs (NM_001322476.2, NM_001322477.2); c.1110del, p.Met371fs (NM_001322478.2, NM_001322479.2); c.948del, p.Met317fs (NM_001322480.2, NM_001322481.2); c.849del, p.Met284fs (NM_001322482.2); c.840del, p.Met281fs (NM_001322483.2, NM_001322484.2); c.741del, p.Met248fs (NM_001322485.2); short protein forms M80fs, M281fs, M404fs, M284fs, M317fs, M248fs, M371fs.
Identifiers: ClinVar variation 1456679 (VCV001456679.6), dbSNP rs2136154117, ClinGen allele CA2573146062.

ClinVar aggregate classification (germline): Pathogenic (1 of 4 stars; one submission).

Submission:

Labcorp Genetics (formerly Invitae), Labcorp
Classification: Pathogenic. Last evaluated: 2023-08-01. Review status: criteria provided, single submitter. Criteria: Invitae Variant Classification Sherloc (09022015). Collection method: clinical testing. Allele origin: germline.
Comment: This variant has not been reported in the literature in individuals affected with HPS1-related conditions. ClinVar contains an entry for this variant (Variation ID: 1456679). For these reasons, this variant has been classified as Pathogenic. This sequence change creates a premature translational stop signal (p.Met404Cysfs*6) in the HPS1 gene. It is expected to result in an absent or disrupted protein product. Loss-of-function variants in HPS1 are known to be pathogenic (PMID: 12442288, 16185271). This variant is not present in population databases (gnomAD no frequency).

Literature cited by the submitters: PubMed 12442288; PubMed 16185271.